The following is an entry in ClinVar:

ClinVar aggregate classification (germline): Uncertain significance (1 of 4 stars; one submission).

Allele frequency attached by ClinVar (database versions not stated): gnomAD exomes below 0.00001; TOPMed below 0.00001; gnomAD 0.00001.
gnomAD v4.1: 2 of 1,613,986 alleles (0.00012%); highest among the groups gnomAD compares: Non-Finnish European, 0.00017%; no homozygotes.

Submission:

Labcorp Genetics (formerly Invitae), Labcorp
Classification: Uncertain significance. Last evaluated: 2022-08-21. Review status: criteria provided, single submitter. Criteria: Invitae Variant Classification Sherloc (09022015). Collection method: clinical testing. Allele origin: germline.
Comment: This variant is not present in population databases (gnomAD no frequency). This sequence change replaces leucine, which is neutral and non-polar, with valine, which is neutral and non-polar, at codon 973 of the ATP8A2 protein (p.Leu973Val). This variant has not been reported in the literature in individuals affected with ATP8A2-related conditions. In summary, the available evidence is currently insufficient to determine the role of this variant in disease. Therefore, it has been classified as a Variant of Uncertain Significance. Algorithms developed to predict the effect of missense changes on protein structure and function (SIFT, PolyPhen-2, Align-GVGD) all suggest that this variant is likely to be tolerated.

NM_016529.6(ATP8A2):c.2917C>G (p.Leu973Val)

Gene: ATP8A2 (ATPase phospholipid transporting 8A2). Cytogenetic location: 13q12.13.
Variant type: single nucleotide variant.
Coding change: c.2917C>G on transcript NM_016529.6 (MANE Select); coding-DNA position 2917, C replaced by G.
Protein change: p.Leu973Val; replaces leucine 973 with valine.
Molecular consequence: missense variant.
Genome position (GRCh38, 1-based): chr13:25,839,585, C>G. VCF-style: chr13-25839585-C-G. GRCh37 (hg19) VCF-style: chr13-26413723-C-G.
Other names: c.2722C>G, p.Leu908Val (NM_001313741.1); c.2842C>G, p.Leu948Val (NM_001411005.1); c.2917C>G, p.Leu973Val (NM_001411006.1); short protein forms L948V, L973V, L908V.
Identifiers: ClinVar variation 2006716 (VCV002006716.4), dbSNP rs1262336471, ClinGen allele CA387683289.